The following is an entry in ClinVar:

NM_000059.4(BRCA2):c.9324C>A (p.Asp3108Glu)

Gene: BRCA2 (BRCA2 DNA repair associated; plus strand). Cytogenetic location: 13q13.1.
Variant type: single nucleotide variant.
Coding change: c.9324C>A on transcript NM_000059.4 (MANE Select); coding-DNA position 9324, C replaced by A.
Protein change: p.Asp3108Glu; replaces aspartic acid 3108 with glutamic acid.
Molecular consequence: missense variant.
Genome position (GRCh38, 1-based): chr13:32,394,756, C>A. VCF-style: chr13-32394756-C-A. GRCh37 (hg19) VCF-style: chr13-32968893-C-A.
Other names: short protein forms D3108E.
Identifiers: ClinVar variation 1053101 (VCV001053101.9), dbSNP rs2137652602, ClinGen allele CA387760981.

ClinVar aggregate classification (germline): Uncertain significance (1 of 4 stars; one submission).

Conditions:
Hereditary breast ovarian cancer syndrome. Also called: Hereditary breast and ovarian cancer syndrome; Hereditary breast and ovarian cancer; Hereditary breast and ovarian cancer syndrome (HBOC); BRCA1- and BRCA2-Associated Hereditary Breast and Ovarian Cancer; Hereditary breast and/or ovarian cancer syndrome; Breast and ovarian cancer. Identifiers: Orphanet 145, MedGen C0677776, MeSH D061325, MONDO:0003582. Disease mechanism: loss of function.

Submission:

Labcorp Genetics (formerly Invitae), Labcorp
Classification: Uncertain significance for Hereditary breast ovarian cancer syndrome. Last evaluated: 2024-06-21. Review status: criteria provided, single submitter. Criteria: Invitae Variant Classification Sherloc (09022015). Collection method: clinical testing. Allele origin: germline.
Comment: This sequence change replaces aspartic acid, which is acidic and polar, with glutamic acid, which is acidic and polar, at codon 3108 of the BRCA2 protein (p.Asp3108Glu). This variant is not present in population databases (gnomAD no frequency). This variant has not been reported in the literature in individuals affected with BRCA2-related conditions. ClinVar contains an entry for this variant (Variation ID: 1053101). Advanced modeling of protein sequence and biophysical properties (such as structural, functional, and spatial information, amino acid conservation, physicochemical variation, residue mobility, and thermodynamic stability) performed at Invitae indicates that this missense variant is not expected to disrupt BRCA2 protein function with a negative predictive value of 95%. In summary, the available evidence is currently insufficient to determine the role of this variant in disease. Therefore, it has been classified as a Variant of Uncertain Significance.